The following is an entry in ClinVar:

ClinVar aggregate classification (germline): Pathogenic (3 of 4 stars; one submission).

Conditions:
Glanzmann thrombasthenia. Also called: PLATELET GLYCOPROTEIN IIb-IIIa DEFICIENCY; Glanzmann's thrombasthenia; BLEEDING DISORDER, PLATELET-TYPE, 2; THROMBASTHENIA OF GLANZMANN AND NAEGELI; Thrombasthenia. Identifiers: Orphanet 849, MedGen C0040015, MONDO:0100326.

Submission:

ClinGen Platelet Disorders Variant Curation Expert Panel, ClinGen
Classification: Pathogenic for Glanzmann thrombasthenia. Last evaluated: 2025-03-06. Review status: reviewed by expert panel. Criteria: ClinGen Platelet ACMG Specifications v2-1. Collection method: curation. Allele origin: germline. Inheritance: Autosomal recessive inheritance.
Comment: The NM_000212.3:c.1641C>G variant in ITGB3 is a missense variant predicted to cause substitution of cysteine by tryptophan at amino acid 547 (p.Cys547Trp). This is a critical cysteine residues for regulation of integrin alphaIIbbeta3 (PMID: 14690453). This variant is absent from gnomAD v4.1 (PM2_Supporting). The computational predictor REVEL gives a score of 0.891, which is above the ClinGen Platelet Disorders VCEP threshold of >0.7 and predicts a damaging effect on function (PP3). Another missense variant (c.1639T>G (p.Cys547Gly)) in the same codon has been provisionally classified as pathogenic for Glanzmann thrombasthenia by the ClinGen Platelet Disorders VCEP (PM5). Splicing prediction using SpliceAI revealed no expected effects on splicing due to either of these variants. There are at least four homozygous (reported unrelated) GT patients (PMID: 32558238, 19691478; PM3). At least one patient (Patient GT4 in PMID: 32558238) with this variant displayed mucocutaneous bleeding and impaired aggregation with all agonists except ristocetin, which is highly specific for Glanzmann thrombasthenia. Additionally, αIIbβ3 surface expression was absent, as measured by flow cytometry. ITGA2B and ITGB3 were sequenced across all exons and intron/exon boundaries. (PP4_strong) In summary, this variant meets the criteria to be classified as pathogenic for autosomal recessive Glanzmann Thrombasthenia based on the ACMG/AMP criteria applied, as specified by the ClinGen PD VCEP: PM2_Supporting, PM3, PM5, PP3, PP4_Strong. (VCEP specifications version 2)

NM_000212.3(ITGB3):c.1641C>G (p.Cys547Trp)

Gene: ITGB3 (integrin subunit beta 3; plus strand). Cytogenetic location: 17q21.32.
Variant type: single nucleotide variant.
Coding change: c.1641C>G on transcript NM_000212.3 (MANE Select); coding-DNA position 1641, C replaced by G.
Protein change: p.Cys547Trp; replaces cysteine 547 with tryptophan.
Molecular consequence: missense variant.
Genome position (GRCh38, 1-based): chr17:47,292,519, C>G. VCF-style: chr17-47292519-C-G. GRCh37 (hg19) VCF-style: chr17-45369885-C-G.
Other names: NM_000212.3:c.1641C>G; short protein forms C547W.
Identifiers: ClinVar variation 1691476 (VCV001691476.3), dbSNP rs185135224, ClinGen allele CA400030171.